The following is an entry in ClinVar:

NM_000021.4(PSEN1):c.438G>T (p.Met146Ile)

Gene: PSEN1 (presenilin 1; plus strand). Cytogenetic location: 14q24.2.
Variant type: single nucleotide variant.
Coding change: c.438G>T on transcript NM_000021.4 (MANE Select); coding-DNA position 438, G replaced by T.
Protein change: p.Met146Ile; replaces methionine 146 with isoleucine.
Molecular consequence: missense variant.
Genome position (GRCh38, 1-based): chr14:73,173,665, G>T. VCF-style: chr14-73173665-G-T. GRCh37 (hg19) VCF-style: chr14-73640373-G-T.
Other names: c.426G>T, p.Met142Ile (NM_007318.3); short protein forms M146I, M142I.
Identifiers: ClinVar variation 98029 (VCV000098029.10), dbSNP rs63750391, ClinGen allele CA225023.
Genomic context (GRCh38, chr14:73,173,665, plus strand): 5'-CCAGAGAGCCCTGCACTCAATTCTGAATGCTGCCATCATGATCAGTGTCATTGTTGTCAT[G>T]ACTATCCTCCTGGTGGTTCTGTATAAATACAGGTGCTATAAGGTGAGCATGAGACACAGA-3'
Protein context (NP_000012.1, residues 136-156): AAIMISVIVV[Met146Ile]TILLVVLYKY

ClinVar aggregate classification (germline): Pathogenic. Review status: criteria provided, multiple submitters, no conflicts (2 of 4 stars). 3 submissions from 3 submitters: Pathogenic (2). 1 of the submissions does not count toward it. Last evaluated 2024-01-24.

Conditions:
Alzheimer disease 3 (AD3). Also called: ALZHEIMER DISEASE, FAMILIAL, 3. Identifiers: Orphanet 1020, MedGen C1843013, MONDO:0011913, OMIM 607822.
Acne inversa, familial, 3 (ACNINV3). Identifiers: MedGen C3151038, MONDO:0013398, OMIM 613737.
Frontotemporal dementia (FTD1). Also called: Frontotemporal Dementia with Parkinsonism-17 (FTDP-17); FRONTOTEMPORAL DEMENTIA WITH PARKINSONISM; FRONTOTEMPORAL LOBE DEMENTIA; MULTIPLE SYSTEM TAUOPATHY WITH PRESENILE DEMENTIA; Dementia, frontotemporal, with or without parkinsonism; WILHELMSEN-LYNCH DISEASE. Identifiers: Orphanet 282, MedGen C0338451, MONDO:0017276, OMIM 600274, HP:0002145.
Pick disease. Also called: PICK DISEASE OF BRAIN; DEMENTIA WITH LOBAR ATROPHY AND NEURONAL CYTOPLASMIC INCLUSIONS; LOBAR ATROPHY OF BRAIN; Pick's disease; Pick Disease of the Brain. Identifiers: Orphanet 282, MedGen C0236642, MONDO:0008243, OMIM 172700.

Submissions (3):

Labcorp Genetics (formerly Invitae), Labcorp
Classification: Pathogenic for Alzheimer disease 3; Pick disease; Acne inversa, familial, 3; Frontotemporal dementia. Last evaluated: 2024-01-24. Review status: criteria provided, single submitter. Criteria: Invitae Variant Classification Sherloc (09022015). Collection method: clinical testing. Allele origin: germline.
Comment: This sequence change replaces methionine, which is neutral and non-polar, with isoleucine, which is neutral and non-polar, at codon 146 of the PSEN1 protein (p.Met146Ile). This variant is not present in population databases (gnomAD no frequency). This missense change has been observed in individuals with early-onset Alzheimer's disease (PMID: 9007311, 9544835, 12552037). It has also been observed to segregate with disease in related individuals. ClinVar contains an entry for this variant (Variation ID: 98029). Advanced modeling of protein sequence and biophysical properties (such as structural, functional, and spatial information, amino acid conservation, physicochemical variation, residue mobility, and thermodynamic stability) performed at Invitae indicates that this missense variant is expected to disrupt PSEN1 protein function with a positive predictive value of 80%. This variant disrupts the p.Met146 amino acid residue in PSEN1. Other variant(s) that disrupt this residue have been determined to be pathogenic (PMID: 7550356, 7596406, 10441572, 15622541, 15776278, 20164095, 23792692). This suggests that this residue is clinically significant, and that variants that disrupt this residue are likely to be disease-causing. For these reasons, this variant has been classified as Pathogenic.

Athena Diagnostics
Classification: Pathogenic. Last evaluated: 2024-01-02. Review status: criteria provided, single submitter. Criteria: Athena Diagnostics Criteria. Collection method: clinical testing. Allele origin: unknown.
Comment: This variant has been identified in multiple unrelated individuals Alzheimer disease. This variant was not reported in large, multi-ethnic, general populations. This variant results in the same amino acid change as another variant considered to be pathogenic or likely pathogenic, strongly indicating this variant may also cause disease. Assessment of experimental evidence suggests this variant results in abnormal protein function. (PMID: 15718035)

VIB  Department of Molecular Genetics, University of Antwerp
No classification provided. Review status: no classification provided. Collection method: not provided. Allele origin: unknown. Not counted in ClinVar's aggregate classification.

Literature cited by the submitters: PubMed 9007311 (cited by Labcorp Genetics (formerly Invitae), Labcorp); PubMed 9544835 (cited by Labcorp Genetics (formerly Invitae), Labcorp); PubMed 12552037 (cited by Labcorp Genetics (formerly Invitae), Labcorp); PubMed 7550356 (cited by Labcorp Genetics (formerly Invitae), Labcorp); PubMed 7596406 (cited by Labcorp Genetics (formerly Invitae), Labcorp); PubMed 10441572 (cited by Labcorp Genetics (formerly Invitae), Labcorp); PubMed 15622541 (cited by Labcorp Genetics (formerly Invitae), Labcorp); PubMed 15776278 (cited by Labcorp Genetics (formerly Invitae), Labcorp); PubMed 20164095 (cited by Labcorp Genetics (formerly Invitae), Labcorp); PubMed 23792692 (cited by Labcorp Genetics (formerly Invitae), Labcorp); PubMed 11524469 (cited by Athena Diagnostics); PubMed 15718035 (cited by Athena Diagnostics); PubMed 23539189 (cited by Athena Diagnostics); PubMed 9811326 (cited by Athena Diagnostics); PubMed 27540966 (cited by Athena Diagnostics); PubMed 27622770 (cited by Athena Diagnostics); PubMed 27777022 (cited by Athena Diagnostics); PubMed 20634584 (cited by Athena Diagnostics); PubMed 22306804 (cited by Athena Diagnostics); PubMed 17493013 (cited by Athena Diagnostics); PubMed 11395394 (cited by Athena Diagnostics); PubMed 11126202 (cited by Athena Diagnostics).